The following is an entry in ClinVar:

NM_021954.4(GJA3):c.64G>A (p.Gly22Ser)

Gene: GJA3 (gap junction protein alpha 3; minus strand). Cytogenetic location: 13q12.11.
Variant type: single nucleotide variant.
Coding change: c.64G>A on transcript NM_021954.4 (MANE Select); coding-DNA position 64, G replaced by A.
Protein change: p.Gly22Ser; replaces glycine 22 with serine.
Molecular consequence: missense variant.
Genome position (GRCh38, 1-based): chr13:20,143,225, C>T on the plus strand (G>A on the coding strand, the complement: GJA3 is on the minus strand). VCF-style: chr13-20143225-C-T. GRCh37 (hg19) VCF-style: chr13-20717364-C-T.
Other names: short protein forms G22S.
Identifiers: ClinVar variation 3253713 (VCV003253713.2), dbSNP rs2500174567.

ClinVar aggregate classification (germline): Pathogenic/Likely pathogenic. Review status: criteria provided, multiple submitters, no conflicts (2 of 4 stars). 2 submissions from 2 submitters: Pathogenic (1); Likely pathogenic (1). Last evaluated 2025-05-14.

Conditions:
Cataract 14 multiple types. Also called: CATARACT 14, ZONULAR PULVERULENT; CATARACT 14, NUCLEAR PULVERULENT; CATARACT 14, NUCLEAR PULVERULENT AND POSTERIOR POLAR; CATARACT 14, NUCLEAR CORALLIFORM; CATARACT 14, EMBRYONAL NUCLEAR; CATARACT 14, COPPOCK-LIKE. Identifiers: Orphanet 91492, MedGen C1866078, MONDO:0011162, OMIM 601885.

Submissions (2):

Labcorp Genetics (formerly Invitae), Labcorp
Classification: Pathogenic for Cataract 14 multiple types. Last evaluated: 2025-05-14. Review status: criteria provided, single submitter. Criteria: Invitae Variant Classification Sherloc (09022015). Collection method: clinical testing. Allele origin: germline.
Comment: This sequence change replaces glycine, which is neutral and non-polar, with serine, which is neutral and polar, at codon 22 of the GJA3 protein (p.Gly22Ser). This variant is not present in population databases (gnomAD no frequency). This missense change has been observed in individual(s) with autosomal dominant congenital cataracts (PMID: 31618082). It has also been observed to segregate with disease in related individuals. ClinVar contains an entry for this variant (Variation ID: 3253713). Invitae Evidence Modeling of protein sequence and biophysical properties (such as structural, functional, and spatial information, amino acid conservation, physicochemical variation, residue mobility, and thermodynamic stability) indicates that this missense variant is expected to disrupt GJA3 protein function with a positive predictive value of 95%. Experimental studies have shown that this missense change affects GJA3 function (PMID: 31618082). For these reasons, this variant has been classified as Pathogenic.

Dept. Genetics and Cancer, Menzies Institute for Medical Research, University of Tasmania
Classification: Likely pathogenic for Cataract 14 multiple types. Last evaluated: 2023-01-21. Review status: criteria provided, single submitter. Criteria: ACMG Guidelines, 2015. Collection method: curation. Allele origin: germline. Affected: yes.
Comment: Variant identified and curated during a GJA3 specific review of the literature in relation to pediatric or congenital cataract. ACMG-AMP criteria applied: PM1, PS4(Supporting), PM2(supporting), PP1, PP3. Original variant reports: PMID:31618082. The cataract phenotype/s reported for this variant are: Central pulverulent (Coppock-like) and Peripheral pulverulent. Gene review and curation guidelines are outlined in: DOI 10.1080/17469899.2023.2160320

Literature cited by the submitters: PubMed 31618082 (cited by Labcorp Genetics (formerly Invitae), Labcorp and Dept. Genetics and Cancer, Menzies Institute for Medical Research, University of Tasmania).